The following is an entry in ClinVar:

ClinVar aggregate classification (germline): Uncertain significance (1 of 4 stars; one submission).

Conditions:
Hereditary cancer-predisposing syndrome. Also called: Tumor predisposition; Hereditary Cancer Syndrome; Neoplastic Syndromes, Hereditary; Hereditary neoplastic syndrome. Identifiers: Orphanet 140162, MedGen C0027672, MeSH D009386, MONDO:0015356.

Submission:

Ambry Genetics
Classification: Uncertain significance for Hereditary cancer-predisposing syndrome. Last evaluated: 2024-09-06. Review status: criteria provided, single submitter. Criteria: Ambry Variant Classification Scheme 2023. Collection method: clinical testing. Allele origin: germline.
Comment: The p.F2958L variant (also known as c.8874T>A), located in coding exon 61 of the ATM gene, results from a T to A substitution at nucleotide position 8874. The phenylalanine at codon 2958 is replaced by leucine, an amino acid with highly similar properties. This alteration was detected in 1/5589 German BRCA1/2-negative probands with breast cancer (Hauke J et al. Cancer Med, 2018 Apr;7:1349-1358). This amino acid position is highly conserved in available vertebrate species. In addition, the in silico prediction for this alteration is inconclusive. Based on the available evidence, the clinical significance of this variant remains unclear.

Literature cited by the submitters: PubMed 29522266.

NM_000051.4(ATM):c.8874T>A (p.Phe2958Leu)

Genes: ATM (ATM serine/threonine kinase; plus strand), C11orf65 (chromosome 11 open reading frame 65; minus strand). Cytogenetic location: 11q22.3.
Variant type: single nucleotide variant.
Coding change: c.8874T>A on transcript NM_000051.4 (MANE Select); coding-DNA position 8874, T replaced by A.
Protein change: p.Phe2958Leu; replaces phenylalanine 2958 with leucine.
Molecular consequence: missense variant. On other transcripts: intron variant (2).
Genome position (GRCh38, 1-based): chr11:108,365,105, T>A. VCF-style: chr11-108365105-T-A. GRCh37 (hg19) VCF-style: chr11-108235832-T-A.
Other names: c.8874T>A, p.Phe2958Leu (NM_001351834.2); c.640+20815A>T (NM_001330368.2); c.694+20815A>T (NM_001351110.2); short protein forms F2958L.
Identifiers: ClinVar variation 3450774 (VCV003450774.1).